The following is an entry in ClinVar:

ClinVar aggregate classification (germline): Uncertain significance (1 of 4 stars; one submission).

Submission:

Labcorp Genetics (formerly Invitae), Labcorp
Classification: Uncertain significance. Last evaluated: 2022-12-16. Review status: criteria provided, single submitter. Criteria: Invitae Variant Classification Sherloc (09022015). Collection method: clinical testing. Allele origin: germline.
Comment: In summary, the available evidence is currently insufficient to determine the role of this variant in disease. Therefore, it has been classified as a Variant of Uncertain Significance. Experimental studies and prediction algorithms are not available or were not evaluated, and the functional significance of this variant is currently unknown. ClinVar contains an entry for this variant (Variation ID: 1392554). This variant has not been reported in the literature in individuals affected with ALPK3-related conditions. This variant is present in population databases (rs748783854, gnomAD 0.03%). This variant, c.4216_4224del, results in the deletion of 3 amino acid(s) of the ALPK3 protein (p.Ser1406_Gly1408del), but otherwise preserves the integrity of the reading frame.

NM_020778.5(ALPK3):c.3610_3618del (p.Ser1204_Gly1206del)

Gene: ALPK3 (alpha kinase 3; plus strand). Cytogenetic location: 15q25.3.
Variant type: Deletion.
Coding change: c.3610_3618del on transcript NM_020778.5 (MANE Select); coding-DNA positions 3610 to 3618, 9 bases deleted (TCCCCAGGG; older notation c.3610_3618delTCCCCAGGG).
Protein change: p.Ser1204_Gly1206del.
Molecular consequence: inframe deletion.
Genome position (GRCh38, 1-based): chr15:84,858,348-84,858,356, TCCCCAGGG deleted; deleting any 9 consecutive bases within chr15:84,858,345-84,858,356 gives the same sequence; the c. name uses the placement nearest the transcript's 3' end. VCF-style (leftmost placement, unchanged base first): chr15-84858344-TGGGTCCCCA-T. GRCh37 (hg19) VCF-style: chr15-85401575-TGGGTCCCCA-T.
Identifiers: ClinVar variation 1392554 (VCV001392554.8), dbSNP rs748783854, ClinGen allele CA7709674.